The following is an entry in ClinVar:

ClinVar aggregate classification (germline): Benign. Review status: criteria provided, single submitter (1 of 4 stars). 3 submissions from 1 submitter: Benign (3). Last evaluated 2018-01-13.

Conditions:
Pyruvate dehydrogenase complex deficiency (PDHC). Also called: PYRUVATE DECARBOXYLASE DEFICIENCY; Pyruvate Dehydrogenase Complex Deficiency Disease; Pyruvate dehydrogenase deficiency; Ataxia with lactic acidosis 1; PDH DEFICIENCY. Identifiers: Orphanet 765, Orphanet 79243, MedGen C0034345, MONDO:0019169.
Leigh syndrome (NULS). Also called: Leigh's syndrome; Leigh Disease; Subacute necrotizing encephalopathy; Necrotizing encephalopathy infantile subacute of Leigh; LEIGH SYNDROME, NUCLEAR; Leigh's necrotizing encephalopathy. Identifiers: Orphanet 506, MedGen C2931891, MONDO:0009723, OMIM 256000.
Pyruvate dehydrogenase E3 deficiency (DLDD). Also called: Dihydrolipoamide Dehydrogenase E3 Deficiency; Lipoamide dehydrogenase deficiency, lactic acidosis due to; Lipoamide dehydrogenase deficiency; Dihydrolipoamide Dehydrogenase (E3) Deficiency; MAPLE SYRUP URINE DISEASE, TYPE III; DLD DEFICIENCY. Identifiers: Orphanet 2394, Orphanet 765, MedGen C5574660, MONDO:0009529, OMIM 246900.

Allele frequency attached by ClinVar (database versions not stated): gnomAD 0.00871 and 0.00939; 1000 Genomes Project 0.00958; TOPMed 0.01025; 1000 Genomes Project 30x 0.01077.

Submissions (3):

Illumina Laboratory Services, Illumina
Classification: Benign for Pyruvate dehydrogenase complex deficiency. Last evaluated: 2018-01-13. Review status: criteria provided, single submitter. Criteria: ICSL Variant Classification Criteria 13 December 2019. Collection method: clinical testing. Allele origin: germline.
Comment: This variant was observed in the ICSL laboratory as part of a predisposition screen in an ostensibly healthy population. It had not been previously curated by ICSL or reported in the Human Gene Mutation Database (HGMD: prior to June 1st, 2018), and was therefore a candidate for classification through an automated scoring system. Utilizing variant allele frequency, disease prevalence and penetrance estimates, and inheritance mode, an automated score was calculated to assess if this variant is too frequent to cause the disease. Based on the score and internal cut-off values, a variant classified as benign is not then subjected to further curation. The score for this variant resulted in a classification of benign for this disease.

Illumina Laboratory Services, Illumina
Classification: Benign for Pyruvate dehydrogenase E3 deficiency. Last evaluated: 2018-01-13. Review status: criteria provided, single submitter. Criteria: ICSL Variant Classification Criteria 13 December 2019. Collection method: clinical testing. Allele origin: germline.
Comment: the same text as in the submission from Illumina Laboratory Services, Illumina above.

Illumina Laboratory Services, Illumina
Classification: Benign for Leigh syndrome. Last evaluated: 2018-01-13. Review status: criteria provided, single submitter. Criteria: ICSL Variant Classification Criteria 13 December 2019. Collection method: clinical testing. Allele origin: germline.
Comment: the same text as in the submission from Illumina Laboratory Services, Illumina above.

NM_000108.5(DLD):c.*1300A>G

Gene: DLD (dihydrolipoamide dehydrogenase; plus strand). Cytogenetic location: 7q31.1.
Variant type: single nucleotide variant.
Coding change: c.*1300A>G on transcript NM_000108.5 (MANE Select); 1300 bases downstream of the stop codon, A replaced by G.
Molecular consequence: 3 prime UTR variant.
Genome position (GRCh38, 1-based): chr7:107,920,559, A>G. VCF-style: chr7-107920559-A-G. GRCh37 (hg19) VCF-style: chr7-107561004-A-G.
Other names: c.*1300A>G (NM_001289750.1, NM_001289751.1, NM_001289752.1).
Identifiers: ClinVar variation 908729 (VCV000908729.4), dbSNP rs77095705, ClinGen allele CA164262561.